The following is an entry in ClinVar:

ClinVar aggregate classification (germline): Uncertain significance (1 of 4 stars; one submission).

Conditions:
Charcot-Marie-Tooth disease axonal type 2O. Also called: CHARCOT-MARIE-TOOTH NEUROPATHY, AXONAL, TYPE 2O; CHARCOT-MARIE-TOOTH DISEASE, AXONAL, AUTOSOMAL DOMINANT, TYPE 2O; Charcot-Marie-Tooth Neuropathy Type 2O; Charcot-Marie-Tooth disease, axonal, type 20. Identifiers: Orphanet 284232, MedGen C3280220, MONDO:0013644, OMIM 614228.

Allele frequency attached by ClinVar (database versions not stated): ExAC 0.00001; gnomAD exomes 0.00001.
gnomAD v4.1: 3 of 1,613,448 alleles (0.00019%); highest among the groups gnomAD compares: Admixed American, 0.0033%; no homozygotes.

Submission:

Labcorp Genetics (formerly Invitae), Labcorp
Classification: Uncertain significance for Charcot-Marie-Tooth disease axonal type 2O. Last evaluated: 2022-08-23. Review status: criteria provided, single submitter. Criteria: Invitae Variant Classification Sherloc (09022015). Collection method: clinical testing. Allele origin: germline.
Comment: Variants that disrupt the consensus splice site are a relatively common cause of aberrant splicing (PMID: 17576681, 9536098). Algorithms developed to predict the effect of sequence changes on RNA splicing suggest that this variant is not likely to affect RNA splicing. This sequence change falls in intron 7 of the DYNC1H1 gene. It does not directly change the encoded amino acid sequence of the DYNC1H1 protein. It affects a nucleotide within the consensus splice site. This variant is present in population databases (rs767995276, gnomAD 0.006%). This variant has not been reported in the literature in individuals affected with DYNC1H1-related conditions. ClinVar contains an entry for this variant (Variation ID: 1414578). In summary, the available evidence is currently insufficient to determine the role of this variant in disease. Therefore, it has been classified as a Variant of Uncertain Significance.

Literature cited by the submitters: PubMed 17576681; PubMed 9536098.

NM_001376.5(DYNC1H1):c.1461+4A>G

Gene: DYNC1H1 (dynein cytoplasmic 1 heavy chain 1; plus strand). Cytogenetic location: 14q32.31.
Variant type: single nucleotide variant.
Coding change: c.1461+4A>G on transcript NM_001376.5 (MANE Select); 4 bases into the intron after coding-DNA position 1461, A replaced by G.
Molecular consequence: intron variant.
Genome position (GRCh38, 1-based): chr14:101,983,613, A>G. VCF-style: chr14-101983613-A-G. GRCh37 (hg19) VCF-style: chr14-102449950-A-G.
Identifiers: ClinVar variation 1414578 (VCV001414578.6), dbSNP rs767995276, ClinGen allele CA7351684.